The following is an entry in ClinVar:

ClinVar aggregate classification (germline): Uncertain significance (1 of 4 stars; one submission).

Conditions:
Cardiomyopathy (CMYO). Also called: Cardiomyopathies. Identifiers: Orphanet 167848, MedGen C0878544, MONDO:0004994, HP:0001638. Inheritance: Various modes of inheritance.

Submission:

Color Diagnostics, LLC DBA Color Health
Classification: Uncertain significance for Cardiomyopathy. Last evaluated: 2025-11-10. Review status: criteria provided, single submitter. Criteria: ACMG Guidelines, 2015. Collection method: clinical testing. Allele origin: germline.
Comment: This missense variant replaces serine with leucine at codon 3270 of the RYR2 protein. Computational prediction is inconclusive regarding the impact of this variant on protein structure and function. To our knowledge, functional studies have not been reported for this variant. This variant has not been reported in individuals affected with cardiovascular disorders in the literature. This variant has not been identified in the general population by the Genome Aggregation Database (gnomAD). The available evidence is insufficient to determine the role of this variant in disease conclusively. Therefore, this variant is classified as a Variant of Uncertain Significance.

NM_001035.3(RYR2):c.9809C>T (p.Ser3270Leu)

Gene: RYR2 (ryanodine receptor 2; plus strand). Cytogenetic location: 1q43.
Variant type: single nucleotide variant.
Coding change: c.9809C>T on transcript NM_001035.3 (MANE Select); coding-DNA position 9809, C replaced by T.
Protein change: p.Ser3270Leu; replaces serine 3270 with leucine.
Molecular consequence: missense variant.
Genome position (GRCh38, 1-based): chr1:237,707,177, C>T. VCF-style: chr1-237707177-C-T. GRCh37 (hg19) VCF-style: chr1-237870477-C-T.
Other names: short protein forms S3270L.
Identifiers: ClinVar variation 1172017 (VCV001172017.4), dbSNP rs2149059274, ClinGen allele CA345409101.